The following is an entry in ClinVar:

ClinVar aggregate classification (germline): Likely benign (1 of 4 stars; one submission).

gnomAD v4.1: 716 of 1,498,408 alleles (0.048%); highest among the groups gnomAD compares: Middle Eastern, 0.57%; 1 homozygote.

Submission:

CeGaT Center for Human Genetics Tuebingen
Classification: Likely benign. Last evaluated: 2026-01-01. Review status: criteria provided, single submitter. Criteria: CeGaT Center For Human Genetics Tuebingen Variant Classification Criteria Version 2. Collection method: clinical testing. Allele origin: germline. Affected: yes. Observed: 1 variant allele.
Comment: CYP2F1: BP4, BP7

NM_000774.5(CYP2F1):c.1158C>T (p.Thr386=)

Gene: CYP2F1 (cytochrome P450 family 2 subfamily F member 1; plus strand). Cytogenetic location: 19q13.2.
Variant type: single nucleotide variant.
Coding change: c.1158C>T on transcript NM_000774.5 (MANE Select); coding-DNA position 1158, C replaced by T.
Protein change: p.Thr386=; no amino-acid change (threonine 386 retained).
Molecular consequence: synonymous variant. On other transcripts: non-coding transcript variant (1).
Genome position (GRCh38, 1-based): chr19:41,125,498, C>T. VCF-style: chr19-41125498-C-T. GRCh37 (hg19) VCF-style: chr19-41631403-C-T.
Identifiers: ClinVar variation 4820786 (VCV004820786.4).
Genomic context (GRCh38, chr19:41,125,498, plus strand): 5'-TTTGGGAGCCTCCCAGCCCTCCTACACTGCTAAGTCCACCTCCTCACCCACACAGGGCAC[C>T]GATGTCATCACCCTCCTTAACACCGTCCACTACGACCCCAGCCAGTTCCTGACGCCCCAG-3'
Protein context (NP_000765.2, residues 376-396): AFRGFLIPKG[Thr386=]DVITLLNTVH